The following is an entry in ClinVar:

NM_001292063.2(OTOG):c.2278C>T (p.Arg760Cys)

Gene: OTOG (otogelin; plus strand). Cytogenetic location: 11p15.1.
Variant type: single nucleotide variant.
Coding change: c.2278C>T on transcript NM_001292063.2 (MANE Select); coding-DNA position 2278, C replaced by T.
Protein change: p.Arg760Cys; replaces arginine 760 with cysteine.
Molecular consequence: missense variant.
Genome position (GRCh38, 1-based): chr11:17,573,275, C>T. VCF-style: chr11-17573275-C-T. GRCh37 (hg19) VCF-style: chr11-17594822-C-T.
Other names: c.2314C>T, p.Arg772Cys (NM_001277269.2); short protein forms R772C, R760C.
Identifiers: ClinVar variation 2170234 (VCV002170234.27), dbSNP rs765096756, ClinGen allele CA218451761.
Genomic context (GRCh38, chr11:17,573,275, plus strand): 5'-ACACTGGCCCACTACGCCCACCTGTGCCGGCGCCATGGGCTCCCCGTTGATTTCCGCGCC[C>T]GCCTGCCAGCCTGTGGTGAGTGCCCCACCCATGTGAGGCTGAGCTGGAGGAGCCAGAGCT-3'
Protein context (NP_001278992.1, residues 750-770): RHGLPVDFRA[Arg760Cys]LPACALSCEA

ClinVar aggregate classification (germline): Uncertain significance. Review status: criteria provided, multiple submitters, no conflicts (2 of 4 stars). 2 submissions from 2 submitters: Uncertain significance (2). Last evaluated 2024-07-12.

Allele frequency attached by ClinVar (database versions not stated): TOPMed 0.00005; gnomAD 0.00007.
gnomAD v4.1: 55 of 1,527,526 alleles (0.0036%); highest among the groups gnomAD compares: Middle Eastern, 0.037%; no homozygotes.

Submissions (2):

Labcorp Genetics (formerly Invitae), Labcorp
Classification: Uncertain significance. Last evaluated: 2024-07-12. Review status: criteria provided, single submitter. Criteria: Invitae Variant Classification Sherloc (09022015). Collection method: clinical testing. Allele origin: germline.
Comment: This sequence change replaces arginine, which is basic and polar, with cysteine, which is neutral and slightly polar, at codon 772 of the OTOG protein (p.Arg772Cys). The frequency data for this variant in the population databases is considered unreliable, as metrics indicate poor data quality at this position in the gnomAD database. This variant has not been reported in the literature in individuals affected with OTOG-related conditions. ClinVar contains an entry for this variant (Variation ID: 2170234). An algorithm developed to predict the effect of missense changes on protein structure and function (PolyPhen-2) suggests that this variant is likely to be disruptive. In summary, the available evidence is currently insufficient to determine the role of this variant in disease. Therefore, it has been classified as a Variant of Uncertain Significance.

CeGaT Center for Human Genetics Tuebingen
Classification: Uncertain significance. Last evaluated: 2023-08-01. Review status: criteria provided, single submitter. Criteria: CeGaT Center For Human Genetics Tuebingen Variant Classification Criteria Version 2. Collection method: clinical testing. Allele origin: germline. Affected: yes. Observed: 1 variant allele.
Comment: OTOG: PM2, BP4